The following is an entry in ClinVar:

NM_001256545.2(MEGF10):c.422G>A (p.Gly141Asp)

Gene: MEGF10 (multiple EGF like domains 10; plus strand). Cytogenetic location: 5q23.2.
Variant type: single nucleotide variant.
Coding change: c.422G>A on transcript NM_001256545.2 (MANE Select); coding-DNA position 422, G replaced by A.
Protein change: p.Gly141Asp; replaces glycine 141 with aspartic acid.
Molecular consequence: missense variant.
Genome position (GRCh38, 1-based): chr5:127,396,541, G>A. VCF-style: chr5-127396541-G-A. GRCh37 (hg19) VCF-style: chr5-126732233-G-A.
Other names: c.422G>A, p.Gly141Asp (NM_001308119.2, NM_001308121.2, NM_032446.3); short protein forms G141D.
Identifiers: ClinVar variation 906426 (VCV000906426.16), dbSNP rs756329251, ClinGen allele CA3391284.

ClinVar aggregate classification (germline): Uncertain significance. Review status: criteria provided, multiple submitters, no conflicts (2 of 4 stars). 3 submissions from 3 submitters: Uncertain significance (3). Last evaluated 2022-10-25.

Conditions:
MEGF10-related myopathy (CMYO10A). Also called: Congenital myopathy 10A, severe variant. Identifiers: Orphanet 439212, MedGen C3280679, MONDO:0013731, OMIM 614399.
Inborn genetic diseases. Identifiers: MedGen C0950123, MeSH D030342.

Allele frequency attached by ClinVar (database versions not stated): gnomAD exomes 0.00001; TOPMed 0.00001; ExAC 0.00002.

Submissions (3):

Ambry Genetics
Classification: Uncertain significance for Inborn genetic diseases. Last evaluated: 2022-10-25. Review status: criteria provided, single submitter. Criteria: Ambry Variant Classification Scheme 2023. Collection method: clinical testing. Allele origin: germline.

Labcorp Genetics (formerly Invitae), Labcorp
Classification: Uncertain significance for MEGF10-related myopathy. Last evaluated: 2022-05-04. Review status: criteria provided, single submitter. Criteria: Invitae Variant Classification Sherloc (09022015). Collection method: clinical testing. Allele origin: germline.
Comment: This sequence change replaces glycine, which is neutral and non-polar, with aspartic acid, which is acidic and polar, at codon 141 of the MEGF10 protein (p.Gly141Asp). This variant is present in population databases (rs756329251, gnomAD 0.002%). This variant has not been reported in the literature in individuals affected with MEGF10-related conditions. ClinVar contains an entry for this variant (Variation ID: 906426). Algorithms developed to predict the effect of missense changes on protein structure and function (SIFT, PolyPhen-2, Align-GVGD) all suggest that this variant is likely to be tolerated. In summary, the available evidence is currently insufficient to determine the role of this variant in disease. Therefore, it has been classified as a Variant of Uncertain Significance.

Illumina Laboratory Services, Illumina
Classification: Uncertain significance for MEGF10-related myopathy. Last evaluated: 2018-01-13. Review status: criteria provided, single submitter. Criteria: ICSL Variant Classification Criteria 13 December 2019. Collection method: clinical testing. Allele origin: germline.